The following is an entry in ClinVar:

ClinVar aggregate classification (germline): Benign/Likely benign. Review status: criteria provided, multiple submitters, no conflicts (2 of 4 stars). 14 submissions from 14 submitters: Benign (8); Likely benign (5). 1 of the submissions does not count toward it. Last evaluated 2026-08-01.

Conditions:
Age related macular degeneration 13. Identifiers: MedGen C3809523, MONDO:0014189, OMIM 615439.
Factor I deficiency (CFID). Also called: Complement factor I deficiency. Identifiers: Orphanet 200418, MedGen C3463916, MONDO:0012594, OMIM 610984.
Atypical hemolytic-uremic syndrome with I factor anomaly. Also called: HEMOLYTIC UREMIC SYNDROME, ATYPICAL, SUSCEPTIBILITY TO, 3; AHUS, SUSCEPTIBILITY TO, 3. Identifiers: Orphanet 2134, MedGen C2752039, MONDO:0013041, OMIM 612923.
CFI-related disorder. Also called: CFI-related disorders; CFI-related condition. Identifiers: MedGen CN239325.
Atypical hemolytic-uremic syndrome. Identifiers: Orphanet 2134, MedGen C2931788, MONDO:0016244.

Allele frequency attached by ClinVar (database versions not stated): 1000 Genomes Project 0.00280; 1000 Genomes Project 30x 0.00375; gnomAD exomes 0.00863 and 0.01515; ExAC 0.00893; gnomAD 0.00908 and 0.00951; TOPMed 0.00935; ESP Exome Variant Server 0.01130.
gnomAD v4.1: 23,053 of 1,592,940 alleles (1.4%); highest among the groups gnomAD compares: Non-Finnish European, 1.8%; 240 homozygotes.

Submissions 1 to 26 of 71:

CeGaT Center for Human Genetics Tuebingen
Classification: Benign. Last evaluated: 2026-08-01. Review status: criteria provided, single submitter. Criteria: CeGaT Center For Human Genetics Tuebingen Variant Classification Criteria Version 2. Collection method: clinical testing. Allele origin: germline. Affected: yes. Observed: 13 variant alleles.
Comment: CFI: BS1, BS2

Labcorp Genetics (formerly Invitae), Labcorp
Classification: Benign. Last evaluated: 2026-02-03. Review status: criteria provided, single submitter. Criteria: Invitae Variant Classification Sherloc (09022015). Collection method: clinical testing. Allele origin: germline.

Women's Health and Genetics/Laboratory Corporation of America, LabCorp
Classification: Benign. Last evaluated: 2026-01-22. Review status: criteria provided, single submitter. Criteria: LabCorp Variant Classification Summary - May 2015. Collection method: clinical testing. Allele origin: germline.

Genomenon, Inc
Classification: Benign for CFI-related disorder. Last evaluated: 2025-09-26. Review status: criteria provided, single submitter. Criteria: Genomenon Sequence Variant Interpretation Standards - Updated. Collection method: curation. Allele origin: germline. Affected: no.
Comment: CFI c.1534+5G>T is a splice variant located in the donor splice region of intron 12. This variant is present at high allele frequency in population databases. In conclusion, we classify CFI c.1534+5G>T as a benign variant.

Blueprint Genetics
Classification: Likely benign. Last evaluated: 2024-11-26. Review status: criteria provided, single submitter. Criteria: ACMG Guidelines, 2015. Collection method: clinical testing. Allele origin: germline.

Mayo Clinic Laboratories, Mayo Clinic
Classification: Benign. Last evaluated: 2022-09-09. Review status: criteria provided, single submitter. Criteria: ACMG Guidelines, 2015. Collection method: clinical testing. Allele origin: germline. Observed: 64 variant alleles.

Fulgent Genetics
Classification: Likely benign for Factor I deficiency; Atypical hemolytic-uremic syndrome with I factor anomaly; Age related macular degeneration 13. Last evaluated: 2021-10-23. Review status: criteria provided, single submitter. Criteria: ACMG Guidelines, 2015. Collection method: clinical testing. Allele origin: unknown.

Genome Diagnostics Laboratory, The Hospital for Sick Children
Classification: Benign for Atypical hemolytic-uremic syndrome. Last evaluated: 2020-03-01. Review status: criteria provided, single submitter. Criteria: ACMG Guidelines, 2015. Collection method: clinical testing. Allele origin: germline.

Mendelics
Classification: Likely benign for Atypical hemolytic-uremic syndrome with I factor anomaly. Last evaluated: 2019-05-28. Review status: criteria provided, single submitter. Criteria: Mendelics Assertion Criteria 2017. Collection method: clinical testing. Allele origin: unknown.

Illumina Laboratory Services, Illumina
Classification: Likely benign for Atypical hemolytic-uremic syndrome with I factor anomaly. Last evaluated: 2017-04-27. Review status: criteria provided, single submitter. Criteria: ICSL Variant Classification Criteria 13 December 2019. Collection method: clinical testing. Allele origin: germline.
Comment: This variant was observed as part of a predisposition screen in an ostensibly healthy population. A literature search was performed for the gene, cDNA change, and amino acid change (where applicable). Publications were found based on this search. The evidence from the literature, in combination with allele frequency data from public databases where available, was sufficient to determine this variant is unlikely to cause disease. Therefore, this variant is classified as likely benign.

GeneDx
Classification: Likely benign. Last evaluated: 2017-01-06. Review status: criteria provided, single submitter. Criteria: GeneDx Variant Classification (06012015). Collection method: clinical testing. Allele origin: germline. Affected: yes.
Comment: This variant is considered likely benign or benign based on one or more of the following criteria: it is a conservative change, it occurs at a poorly conserved position in the protein, it is predicted to be benign by multiple in silico algorithms, and/or has population frequency not consistent with disease.

Laboratory for Molecular Medicine, Mass General Brigham Personalized Medicine
Classification: Benign. Last evaluated: 2016-03-28. Review status: criteria provided, single submitter. Criteria: LMM Criteria. Collection method: clinical testing. Allele origin: germline.
Comment: Variant identified in a genome or exome case(s) and assessed due to predicted null impact of the variant or pathogenic assertions in the literature or databases. Disclaimer: This variant has not undergone full assessment. The following are preliminary notes: Frequency in ESP (all): 130/13004=0.99%: in th eEur: 130/8598=1.5%

Genomic Diagnostic Laboratory, Division of Genomic Diagnostics, Children's Hospital of Philadelphia
Classification: Benign. Last evaluated: 2015-11-08. Review status: criteria provided, single submitter. Criteria: DGD Variant Analysis Guidelines. Collection method: clinical testing. Allele origin: unknown.

PreventionGenetics, part of Exact Sciences
Classification: Likely benign for CFI-related condition. Last evaluated: 2020-05-26. Review status: no assertion criteria provided. Collection method: clinical testing. Allele origin: germline. Not counted in ClinVar's aggregate classification.
Comment: This variant is classified as likely benign based on ACMG/AMP sequence variant interpretation guidelines (Richards et al. 2015 PMID: 25741868, with internal and published modifications).

Dr. Peter K. Rogan Lab, Western University
No classification provided (evidence only). Condition: Clear cell carcinoma of kidney. Review status: no classification provided. Collection method: in vitro. Allele origin: not applicable. Functional consequence: retained intron. Not counted in ClinVar's aggregate classification.

Dr. Peter K. Rogan Lab, Western University
No classification provided (evidence only). Condition: Clear cell carcinoma of kidney. Review status: no classification provided. Collection method: in vitro. Allele origin: not applicable. Functional consequence: retained intron. Not counted in ClinVar's aggregate classification.

Dr. Peter K. Rogan Lab, Western University
No classification provided (evidence only). Condition: Clear cell carcinoma of kidney. Review status: no classification provided. Collection method: in vitro. Allele origin: not applicable. Functional consequence: retained intron. Not counted in ClinVar's aggregate classification.

Dr. Peter K. Rogan Lab, Western University
No classification provided (evidence only). Condition: Clear cell carcinoma of kidney. Review status: no classification provided. Collection method: in vitro. Allele origin: not applicable. Functional consequence: retained intron. Not counted in ClinVar's aggregate classification.

Dr. Peter K. Rogan Lab, Western University
No classification provided (evidence only). Condition: Clear cell carcinoma of kidney. Review status: no classification provided. Collection method: in vitro. Allele origin: not applicable. Functional consequence: retained intron. Not counted in ClinVar's aggregate classification.

Dr. Peter K. Rogan Lab, Western University
No classification provided (evidence only). Condition: Clear cell carcinoma of kidney. Review status: no classification provided. Collection method: in vitro. Allele origin: not applicable. Functional consequence: retained intron. Not counted in ClinVar's aggregate classification.

Dr. Peter K. Rogan Lab, Western University
No classification provided (evidence only). Condition: Lung cancer. Review status: no classification provided. Collection method: in vitro. Allele origin: not applicable. Functional consequence: retained intron. Not counted in ClinVar's aggregate classification.

Dr. Peter K. Rogan Lab, Western University
No classification provided (evidence only). Condition: Lung cancer. Review status: no classification provided. Collection method: in vitro. Allele origin: not applicable. Functional consequence: retained intron. Not counted in ClinVar's aggregate classification.

Dr. Peter K. Rogan Lab, Western University
No classification provided (evidence only). Condition: Lung cancer. Review status: no classification provided. Collection method: in vitro. Allele origin: not applicable. Functional consequence: retained intron. Not counted in ClinVar's aggregate classification.

Dr. Peter K. Rogan Lab, Western University
No classification provided (evidence only). Condition: Lung cancer. Review status: no classification provided. Collection method: in vitro. Allele origin: not applicable. Functional consequence: retained intron. Not counted in ClinVar's aggregate classification.

Dr. Peter K. Rogan Lab, Western University
No classification provided (evidence only). Condition: Lung cancer. Review status: no classification provided. Collection method: in vitro. Allele origin: not applicable. Functional consequence: retained intron. Not counted in ClinVar's aggregate classification.

Dr. Peter K. Rogan Lab, Western University
No classification provided (evidence only). Condition: Lung cancer. Review status: no classification provided. Collection method: in vitro. Allele origin: not applicable. Functional consequence: retained intron. Not counted in ClinVar's aggregate classification.

NM_000204.5(CFI):c.1534+5G>T

Gene: CFI (complement factor I; minus strand). Cytogenetic location: 4q25.
Variant type: single nucleotide variant.
Coding change: c.1534+5G>T on transcript NM_000204.5 (MANE Select); 5 bases into the intron after coding-DNA position 1534, G replaced by T.
Molecular consequence: intron variant.
Genome position (GRCh38, 1-based): chr4:109,742,486, C>A on the plus strand (G>T on the coding strand, the complement: CFI is on the minus strand). VCF-style: chr4-109742486-C-A. GRCh37 (hg19) VCF-style: chr4-110663642-C-A.
Other names: c.1513+5G>T (NM_001375282.1, NM_001375280.1, NM_001331035.2); c.1534+5G>T (NM_001375281.1, NM_001375279.1); c.1558+5G>T (NM_001375278.1, NM_001318057.2); c.925+5G>T (NM_001375284.1); c.1477+5G>T (NM_001375283.1).
Identifiers: ClinVar variation 252469 (VCV000252469.55), dbSNP rs114013791, ClinGen allele CA3041877.